The following is an entry in ClinVar:

ClinVar aggregate classification (germline): Uncertain significance. Review status: criteria provided, multiple submitters, no conflicts (2 of 4 stars). 2 submissions from 2 submitters: Uncertain significance (2). Last evaluated 2026-02-16.

Conditions:
Fanconi anemia (FA). Also called: Fanconi's anemia. Identifiers: Orphanet 84, MedGen C0015625, MeSH D005199, MONDO:0019391.
Inborn genetic diseases. Identifiers: MedGen C0950123, MeSH D030342.

Allele frequency attached by ClinVar (database versions not stated): gnomAD exomes below 0.00001; gnomAD 0.00001; TOPMed 0.00001.
gnomAD v4.1: 5 of 1,612,188 alleles (0.00031%); highest among the groups gnomAD compares: South Asian, 0.0022%; no homozygotes.

Submissions (2):

Ambry Genetics
Classification: Uncertain significance for Inborn genetic diseases. Last evaluated: 2026-02-16. Review status: criteria provided, single submitter. Criteria: Ambry Variant Classification Scheme 2023. Collection method: clinical testing. Allele origin: germline.
Comment: The p.I841V variant (also known as c.2521A>G), located in coding exon 27 of the FANCA gene, results from an A to G substitution at nucleotide position 2521. The isoleucine at codon 841 is replaced by valine, an amino acid with highly similar properties. This amino acid position is conserved. In addition, this alteration is predicted to be tolerated by in silico analysis. Based on the available evidence, the clinical significance of this variant remains unclear.

Labcorp Genetics (formerly Invitae), Labcorp
Classification: Uncertain significance for Fanconi anemia. Last evaluated: 2024-04-29. Review status: criteria provided, single submitter. Criteria: Invitae Variant Classification Sherloc (09022015). Collection method: clinical testing. Allele origin: germline.
Comment: This sequence change replaces isoleucine, which is neutral and non-polar, with valine, which is neutral and non-polar, at codon 841 of the FANCA protein (p.Ile841Val). This variant is present in population databases (no rsID available, gnomAD 0.003%). This variant has not been reported in the literature in individuals affected with FANCA-related conditions. ClinVar contains an entry for this variant (Variation ID: 2148064). Advanced modeling of protein sequence and biophysical properties (such as structural, functional, and spatial information, amino acid conservation, physicochemical variation, residue mobility, and thermodynamic stability) performed at Invitae indicates that this missense variant is not expected to disrupt FANCA protein function with a negative predictive value of 80%. In summary, the available evidence is currently insufficient to determine the role of this variant in disease. Therefore, it has been classified as a Variant of Uncertain Significance.

NM_000135.4(FANCA):c.2521A>G (p.Ile841Val)

Gene: FANCA (FA complementation group A; minus strand). Cytogenetic location: 16q24.3.
Variant type: single nucleotide variant.
Coding change: c.2521A>G on transcript NM_000135.4 (MANE Select); coding-DNA position 2521, A replaced by G.
Protein change: p.Ile841Val; replaces isoleucine 841 with valine.
Molecular consequence: missense variant.
Genome position (GRCh38, 1-based): chr16:89,767,221, T>C on the plus strand (A>G on the coding strand, the complement: FANCA is on the minus strand). VCF-style: chr16-89767221-T-C. GRCh37 (hg19) VCF-style: chr16-89833629-T-C.
Other names: c.2521A>G, p.Ile841Val (NM_001286167.3); short protein forms I841V.
Identifiers: ClinVar variation 2148064 (VCV002148064.3), dbSNP rs1350557471, ClinGen allele CA397440846.